The following is an entry in ClinVar:

NM_006940.6(SOX5):c.1280G>A (p.Gly427Asp)

Gene: SOX5 (SRY-box transcription factor 5; minus strand). Cytogenetic location: 12p12.1.
Variant type: single nucleotide variant.
Coding change: c.1280G>A on transcript NM_006940.6 (MANE Select); coding-DNA position 1280, G replaced by A.
Protein change: p.Gly427Asp; replaces glycine 427 with aspartic acid.
Molecular consequence: missense variant. On other transcripts: intron variant (1).
Genome position (GRCh38, 1-based): chr12:23,575,723, C>T on the plus strand (G>A on the coding strand, the complement: SOX5 is on the minus strand). VCF-style: chr12-23575723-C-T. GRCh37 (hg19) VCF-style: chr12-23728657-C-T.
Other names: c.1250G>A, p.Gly417Asp (NM_001261415.3); c.1175G>A, p.Gly392Asp (NM_001330785.2); c.1241G>A, p.Gly414Asp (NM_152989.5); c.122G>A, p.Gly41Asp (NM_178010.4); c.1125+28664G>A (NM_001261414.3); short protein forms G414D, G427D, G392D, G417D, G41D.
Identifiers: ClinVar variation 2352289 (VCV002352289.27), dbSNP rs780885506, ClinGen allele CA6484083.
Genomic context (GRCh38, chr12:23,575,723, plus strand): 5'-ATTGTGCTAACTCTGGCTGAAGGACTAGCTAACGCTGCTGGGACAGAGGCTTTGAGGGGG[C>T]CTGCCCCACTGTTTATTCTCAGAGCTGGCATATGGGGAGAGGTGGGTGATGTGGGTGATT-3'
Protein context (NP_008871.3, residues 417-437): MPALRINSGA[Gly427Asp]PLKASVPAAL

ClinVar aggregate classification (germline): Conflicting classifications of pathogenicity. Review status: criteria provided, conflicting classifications (1 of 4 stars). 4 submissions from 4 submitters: Uncertain significance (1); Likely benign (3). Last evaluated 2025-02-16.

Conditions:
Lamb-Shaffer syndrome. Identifiers: Orphanet 313884, Orphanet 313892, Orphanet 530983, MedGen C4225202, MONDO:0014778, OMIM 616803.
Inborn genetic diseases. Identifiers: MedGen C0950123, MeSH D030342.

Allele frequency attached by ClinVar (database versions not stated): ExAC 0.00010; TOPMed 0.00012; gnomAD exomes 0.00014; gnomAD 0.00017.
gnomAD v4.1: 230 of 1,613,908 alleles (0.014%); highest among the groups gnomAD compares: Non-Finnish European, 0.017%; no homozygotes.

Submissions (4):

Laboratory of Genetics, Children's Clinical University Hospital Latvia
Classification: Likely benign. Last evaluated: 2025-02-16. Review status: criteria provided, single submitter. Criteria: ACMG Guidelines, 2015. Collection method: clinical testing. Allele origin: germline. Affected: yes.

CeGaT Center for Human Genetics Tuebingen
Classification: Likely benign. Last evaluated: 2024-03-01. Review status: criteria provided, single submitter. Criteria: CeGaT Center For Human Genetics Tuebingen Variant Classification Criteria Version 2. Collection method: clinical testing. Allele origin: germline. Affected: yes. Observed: 1 variant allele.
Comment: SOX5: BS2

Revvity Omics, Revvity
Classification: Uncertain significance for Lamb-Shaffer syndrome. Last evaluated: 2021-08-31. Review status: criteria provided, single submitter. Criteria: ACMG Guidelines, 2015. Collection method: clinical testing. Allele origin: germline.

Ambry Genetics
Classification: Likely benign for Inborn genetic diseases. Last evaluated: 2021-07-14. Review status: criteria provided, single submitter. Criteria: Ambry Variant Classification Scheme 2023. Collection method: clinical testing. Allele origin: germline.